The following is an entry in ClinVar:

NM_017654.4(SAMD9):c.4316T>C (p.Phe1439Ser)

Gene: SAMD9 (sterile alpha motif domain containing 9; minus strand). Cytogenetic location: 7q21.2.
Variant type: single nucleotide variant.
Coding change: c.4316T>C on transcript NM_017654.4 (MANE Select); coding-DNA position 4316, T replaced by C.
Protein change: p.Phe1439Ser; replaces phenylalanine 1439 with serine.
Molecular consequence: missense variant.
Genome position (GRCh38, 1-based): chr7:93,101,782, A>G on the plus strand (T>C on the coding strand, the complement: SAMD9 is on the minus strand). VCF-style: chr7-93101782-A-G. GRCh37 (hg19) VCF-style: chr7-92731095-A-G.
Other names: c.4316T>C (NM_017654.3); c.4316T>C, p.Phe1439Ser (NM_001193307.2); short protein forms F1439S.
Identifiers: ClinVar variation 2174222 (VCV002174222.4), dbSNP rs770014195, ClinGen allele CA4342567.

ClinVar aggregate classification (germline): Uncertain significance. Review status: criteria provided, multiple submitters, no conflicts (2 of 4 stars). 2 submissions from 2 submitters: Uncertain significance (2). Last evaluated 2025-04-15.

Conditions:
Inborn genetic diseases. Identifiers: MedGen C0950123, MeSH D030342.

Allele frequency attached by ClinVar (database versions not stated): ExAC 0.00004; TOPMed 0.00004.

Submissions (2):

Labcorp Genetics (formerly Invitae), Labcorp
Classification: Uncertain significance. Last evaluated: 2025-04-15. Review status: criteria provided, single submitter. Criteria: Invitae Variant Classification Sherloc (09022015). Collection method: clinical testing. Allele origin: germline.
Comment: This sequence change replaces phenylalanine, which is neutral and non-polar, with serine, which is neutral and polar, at codon 1439 of the SAMD9 protein (p.Phe1439Ser). This variant is present in population databases (rs770014195, gnomAD 0.04%). This variant has not been reported in the literature in individuals affected with SAMD9-related conditions. ClinVar contains an entry for this variant (Variation ID: 2174222). Invitae Evidence Modeling of protein sequence and biophysical properties (such as structural, functional, and spatial information, amino acid conservation, physicochemical variation, residue mobility, and thermodynamic stability) has been performed for this missense variant. However, the output from this modeling did not meet the statistical confidence thresholds required to predict the impact of this variant on SAMD9 protein function. In summary, the available evidence is currently insufficient to determine the role of this variant in disease. Therefore, it has been classified as a Variant of Uncertain Significance.

Ambry Genetics
Classification: Uncertain significance for Inborn genetic diseases. Last evaluated: 2024-12-25. Review status: criteria provided, single submitter. Criteria: Ambry Variant Classification Scheme 2023. Collection method: clinical testing. Allele origin: germline.